The following is an entry in ClinVar:

NM_015346.4(ZFYVE26):c.4025G>T (p.Arg1342Leu)

Gene: ZFYVE26 (zinc finger FYVE-type containing 26; minus strand). Cytogenetic location: 14q24.1.
Variant type: single nucleotide variant.
Coding change: c.4025G>T on transcript NM_015346.4 (MANE Select); coding-DNA position 4025, G replaced by T.
Protein change: p.Arg1342Leu; replaces arginine 1342 with leucine.
Molecular consequence: missense variant.
Genome position (GRCh38, 1-based): chr14:67,783,127, C>A on the plus strand (G>T on the coding strand, the complement: ZFYVE26 is on the minus strand). VCF-style: chr14-67783127-C-A. GRCh37 (hg19) VCF-style: chr14-68249844-C-A.
Other names: short protein forms R1342L.
Identifiers: ClinVar variation 1990651 (VCV001990651.1), dbSNP rs762917905, ClinGen allele CA7239856.
Genomic context (GRCh38, chr14:67,783,127, plus strand): 5'-TGTTCCAGAAGGCGCTCACACTCCCGGGCTACCTGCTCTGCAGCCAGAGGCACCTCCCTG[C>A]GGCCACGAAGTTCCTTCCATGACAAGCTGGGTTTGCTGACCTTTAACCTCGGGGAAGCCC-3'
Protein context (NP_056161.2, residues 1332-1352): PSLSWKELRG[Arg1342Leu]REVPLAAEQV

ClinVar aggregate classification (germline): Uncertain significance (1 of 4 stars; one submission).

Conditions:
Spastic paraplegia. Identifiers: MedGen C0037772, HP:0001258.

Allele frequency attached by ClinVar (database versions not stated): ExAC 0.00001; TOPMed 0.00001; gnomAD 0.00002.
gnomAD v4.1: 40 of 1,608,294 alleles (0.0025%); highest among the groups gnomAD compares: Non-Finnish European, 0.0034%; no homozygotes.

Submission:

Labcorp Genetics (formerly Invitae), Labcorp
Classification: Uncertain significance for Spastic paraplegia. Last evaluated: 2021-12-12. Review status: criteria provided, single submitter. Criteria: Invitae Variant Classification Sherloc (09022015). Collection method: clinical testing. Allele origin: germline.
Comment: This sequence change replaces arginine, which is basic and polar, with leucine, which is neutral and non-polar, at codon 1342 of the ZFYVE26 protein (p.Arg1342Leu). This variant is present in population databases (rs762917905, gnomAD 0.003%). This variant has not been reported in the literature in individuals affected with ZFYVE26-related conditions. Algorithms developed to predict the effect of missense changes on protein structure and function (SIFT, PolyPhen-2, Align-GVGD) all suggest that this variant is likely to be tolerated. In summary, the available evidence is currently insufficient to determine the role of this variant in disease. Therefore, it has been classified as a Variant of Uncertain Significance.